The following is an entry in ClinVar:

NM_000091.5(COL4A3):c.3201G>A (p.Pro1067=)

Genes: COL4A3 (collagen type IV alpha 3 chain; plus strand), MFF-DT (MFF divergent transcript; minus strand). Cytogenetic location: 2q36.3.
Variant type: single nucleotide variant.
Coding change: c.3201G>A on transcript NM_000091.5 (MANE Select); coding-DNA position 3201, G replaced by A.
Protein change: p.Pro1067=; no amino-acid change (proline 1067 retained).
Molecular consequence: synonymous variant.
Genome position (GRCh38, 1-based): chr2:227,290,877, G>A. VCF-style: chr2-227290877-G-A. GRCh37 (hg19) VCF-style: chr2-228155593-G-A.
Other names: c.3201G>A (NM_000091.4).
Identifiers: ClinVar variation 1574531 (VCV001574531.10), dbSNP rs191829138, ClinGen allele CA2147133.
Genomic context (GRCh38, chr2:227,290,877, plus strand): 5'-TGGTCTCCAGGGAGATAAGGGAGAGCCAGGTTATTCAGAAGGTACAAGGCCAGGACCACC[G>A]GGACCAACGGTATATAGGCCACTGAAATATTTACATTTTAGTGGTGGAGTGAGTGCCTTG-3'
Protein context (NP_000082.2, residues 1057-1077): GYSEGTRPGP[Pro1067=]GPTGDPGLPG

ClinVar aggregate classification (germline): Likely benign. Review status: criteria provided, single submitter (1 of 4 stars). 2 submissions from 2 submitters: Likely benign (1). 1 of the submissions does not count toward it. Last evaluated 2023-10-04.

Conditions:
COL4A3-related disorder. Also called: COL4A3-related condition; COL4A3-Related Disorders.

Allele frequency attached by ClinVar (database versions not stated): ExAC 0.00002; 1000 Genomes Project 30x 0.00016; 1000 Genomes Project 0.00020.
gnomAD v4.1: 7 of 1,612,034 alleles (0.00043%); highest among the groups gnomAD compares: Non-Finnish European, 0.00042%; no homozygotes.

Submissions (2):

Labcorp Genetics (formerly Invitae), Labcorp
Classification: Likely benign. Last evaluated: 2023-10-04. Review status: criteria provided, single submitter. Criteria: Invitae Variant Classification Sherloc (09022015). Collection method: clinical testing. Allele origin: germline.

PreventionGenetics, part of Exact Sciences
Classification: Likely benign for COL4A3-related condition. Last evaluated: 2019-02-22. Review status: no assertion criteria provided. Collection method: clinical testing. Allele origin: germline. Not counted in ClinVar's aggregate classification.
Comment: This variant is classified as likely benign based on ACMG/AMP sequence variant interpretation guidelines (Richards et al. 2015 PMID: 25741868, with internal and published modifications).